The following is an entry in ClinVar:

NM_001040142.2(SCN2A):c.4377T>G (p.Phe1459Leu)

Gene: SCN2A (sodium voltage-gated channel alpha subunit 2; plus strand). Cytogenetic location: 2q24.3.
Variant type: single nucleotide variant.
Coding change: c.4377T>G on transcript NM_001040142.2 (MANE Select); coding-DNA position 4377, T replaced by G.
Protein change: p.Phe1459Leu; replaces phenylalanine 1459 with leucine.
Molecular consequence: missense variant.
Genome position (GRCh38, 1-based): chr2:165,380,660, T>G. VCF-style: chr2-165380660-T-G. GRCh37 (hg19) VCF-style: chr2-166237170-T-G.
Other names: c.4377T>G, p.Phe1459Leu (NM_001040143.2, NM_001371246.1, NM_001371247.1 and 1 more transcripts); short protein forms F1459L.
Identifiers: ClinVar variation 2944368 (VCV002944368.3), dbSNP rs2468126508, ClinGen allele CA349033949.
Genomic context (GRCh38, chr2:165,380,660, plus strand): 5'-ACAACCCAAGTATGAAGACAACCTGTACATGTATCTTTATTTTGTCATCTTTATTATTTT[T>G]GGTTCATTCTTTACCTTGAATCTTTTCATTGGTGTCATCATAGATAACTTCAACCAACAG-3'
Protein context (NP_001035232.1, residues 1449-1469): MYLYFVIFII[Phe1459Leu]GSFFTLNLFI

ClinVar aggregate classification (germline): Pathogenic (1 of 4 stars; one submission).

Conditions:
Seizures, benign familial infantile, 3 (BFIS3). Also called: CONVULSIONS, BENIGN FAMILIAL INFANTILE, 3; Familial neonatal seizures. Identifiers: Orphanet 140927, Orphanet 306, MedGen C1843140, MONDO:0011904, OMIM 607745.
Developmental and epileptic encephalopathy, 11 (DEE11). Also called: Early infantile epileptic encephalopathy 11. Identifiers: Orphanet 1934, MedGen C3150987, MONDO:0013388, OMIM 613721.

Submission:

Labcorp Genetics (formerly Invitae), Labcorp
Classification: Pathogenic for Seizures, benign familial infantile, 3; Developmental and epileptic encephalopathy, 11. Last evaluated: 2023-07-07. Review status: criteria provided, single submitter. Criteria: Invitae Variant Classification Sherloc (09022015). Collection method: clinical testing. Allele origin: germline.
Comment: This sequence change replaces phenylalanine, which is neutral and non-polar, with leucine, which is neutral and non-polar, at codon 1459 of the SCN2A protein (p.Phe1459Leu). This variant is not present in population databases (gnomAD no frequency). This missense change has been observed in individual(s) with early infantile epileptic encephalopathy (Invitae). In at least one individual the variant was observed to be de novo. Advanced modeling of protein sequence and biophysical properties (such as structural, functional, and spatial information, amino acid conservation, physicochemical variation, residue mobility, and thermodynamic stability) performed at Invitae indicates that this missense variant is expected to disrupt SCN2A protein function. For these reasons, this variant has been classified as Pathogenic.